The following is an entry in ClinVar:

ClinVar aggregate classification (germline): Uncertain significance (1 of 4 stars; one submission).

Conditions:
Glycogen storage disease IXb (GSD9B). Also called: GLYCOGENOSIS OF LIVER AND MUSCLE, AUTOSOMAL RECESSIVE; GSD IXb; PHOSPHORYLASE KINASE DEFICIENCY OF LIVER AND MUSCLE, AUTOSOMAL RECESSIVE. Identifiers: Orphanet 79240, MedGen C0543514, MONDO:0009868, OMIM 261750.

Submission:

Labcorp Genetics (formerly Invitae), Labcorp
Classification: Uncertain significance for Glycogen storage disease IXb. Last evaluated: 2023-05-23. Review status: criteria provided, single submitter. Criteria: Invitae Variant Classification Sherloc (09022015). Collection method: clinical testing. Allele origin: germline.
Comment: In summary, the available evidence is currently insufficient to determine the role of this variant in disease. Therefore, it has been classified as a Variant of Uncertain Significance. An algorithm developed to predict the effect of missense changes on protein structure and function (PolyPhen-2) suggests that this variant is likely to be tolerated. ClinVar contains an entry for this variant (Variation ID: 1436504). This variant has not been reported in the literature in individuals affected with PHKB-related conditions. This variant is not present in population databases (gnomAD no frequency). This sequence change replaces isoleucine, which is neutral and non-polar, with threonine, which is neutral and polar, at codon 464 of the PHKB protein (p.Ile464Thr).

NM_000293.3(PHKB):c.1391T>C (p.Ile464Thr)

Gene: PHKB (phosphorylase kinase regulatory subunit beta; plus strand). Cytogenetic location: 16q12.1.
Variant type: single nucleotide variant.
Coding change: c.1391T>C on transcript NM_000293.3 (MANE Select); coding-DNA position 1391, T replaced by C.
Protein change: p.Ile464Thr; replaces isoleucine 464 with threonine.
Molecular consequence: missense variant.
Genome position (GRCh38, 1-based): chr16:47,610,853, T>C. VCF-style: chr16-47610853-T-C. GRCh37 (hg19) VCF-style: chr16-47644764-T-C.
Other names: c.1370T>C, p.Ile457Thr (NM_001031835.3); c.1391T>C, p.Ile464Thr (NM_001363837.1); short protein forms I457T, I464T.
Identifiers: ClinVar variation 1436504 (VCV001436504.6), dbSNP rs1567326518, ClinGen allele CA395802674.